The following is an entry in ClinVar:

NM_024334.3(TMEM43):c.440A>G (p.Tyr147Cys)

Gene: TMEM43 (transmembrane protein 43; plus strand). Cytogenetic location: 3p25.1.
Variant type: single nucleotide variant.
Coding change: c.440A>G on transcript NM_024334.3 (MANE Select); coding-DNA position 440, A replaced by G.
Protein change: p.Tyr147Cys; replaces tyrosine 147 with cysteine.
Molecular consequence: missense variant.
Genome position (GRCh38, 1-based): chr3:14,132,593, A>G. VCF-style: chr3-14132593-A-G. GRCh37 (hg19) VCF-style: chr3-14174093-A-G.
Other names: short protein forms Y147C.
Identifiers: ClinVar variation 925805 (VCV000925805.8), dbSNP rs766312977, ClinGen allele CA351535075.

ClinVar aggregate classification (germline): Uncertain significance. Review status: criteria provided, multiple submitters, no conflicts (2 of 4 stars). 3 submissions from 3 submitters: Uncertain significance (3). Last evaluated 2024-02-22.

Conditions:
Arrhythmogenic right ventricular dysplasia 5. Also called: ARRHYTHMOGENIC RIGHT VENTRICULAR DYSPLASIA, FAMILIAL, 5; Arrhythmogenic Right Ventricular Dysplasia/Cardiomyopathy 5. Identifiers: MedGen C1858379, MONDO:0011459, OMIM 604400.
Cardiomyopathy (CMYO). Also called: Cardiomyopathies. Identifiers: Orphanet 167848, MedGen C0878544, MONDO:0004994, HP:0001638. Inheritance: Various modes of inheritance.

Submissions (3):

Labcorp Genetics (formerly Invitae), Labcorp
Classification: Uncertain significance for Arrhythmogenic right ventricular dysplasia 5. Last evaluated: 2024-02-22. Review status: criteria provided, single submitter. Criteria: Invitae Variant Classification Sherloc (09022015). Collection method: clinical testing. Allele origin: germline.
Comment: This sequence change replaces tyrosine, which is neutral and polar, with cysteine, which is neutral and slightly polar, at codon 147 of the TMEM43 protein (p.Tyr147Cys). This variant is not present in population databases (gnomAD no frequency). This variant has not been reported in the literature in individuals affected with TMEM43-related conditions. ClinVar contains an entry for this variant (Variation ID: 925805). An algorithm developed to predict the effect of missense changes on protein structure and function (PolyPhen-2) suggests that this variant is likely to be disruptive. In summary, the available evidence is currently insufficient to determine the role of this variant in disease. Therefore, it has been classified as a Variant of Uncertain Significance.

All of Us Research Program, National Institutes of Health
Classification: Uncertain significance for Arrhythmogenic right ventricular dysplasia 5. Last evaluated: 2023-11-20. Review status: criteria provided, single submitter. Criteria: ACMG Guidelines, 2015. Collection method: clinical testing. Allele origin: germline. Inheritance: Autosomal dominant inheritance. Observed: 1 variant allele, 1 heterozygote.
Comment: Variant of Uncertain Significance due to insufficient evidence: This missense variant replaces tyrosine with cysteine at codon 147 of the TMEM43 protein. Computational prediction tools and conservation analyses are inconclusive regarding the impact of this variant on the protein function. Computational splicing tools suggest that this variant may not impact RNA splicing. To our knowledge, functional assays have not been performed for this variant nor has this variant been reported in individuals affected with cardiovascular disorders in the literature. This variant has not been identified in the general population by the Genome Aggregation Database (gnomAD). Available evidence is insufficient to determine the role of this variant in disease conclusively.

This study involves interpretation of variants in research participants for the purpose of population health screening. Participant phenotype was not available at the time of variant classification. Additional details can be found in publication PMID: 35346344, PMCID: PMC8962531

Color Diagnostics, LLC DBA Color Health
Classification: Uncertain significance for Cardiomyopathy. Last evaluated: 2023-10-25. Review status: criteria provided, single submitter. Criteria: ACMG Guidelines, 2015. Collection method: clinical testing. Allele origin: germline.
Comment: This missense variant replaces tyrosine with cysteine at codon 147 of the TMEM43 protein. Computational prediction suggests that this variant may have deleterious impact on protein structure and function (internally defined REVEL score threshold >= 0.7, PMID: 27666373). To our knowledge, functional studies have not been reported for this variant. This variant has not been reported in individuals affected with cardiovascular disorders in the literature. This variant has not been identified in the general population by the Genome Aggregation Database (gnomAD). The available evidence is insufficient to determine the role of this variant in disease conclusively. Therefore, this variant is classified as a Variant of Uncertain Significance.